The following is an entry in ClinVar:

NM_004311.4(ARL3):c.139C>T (p.Pro47Ser)

Gene: ARL3 (ARF like GTPase 3; minus strand). Cytogenetic location: 10q24.32.
Variant type: single nucleotide variant.
Coding change: c.139C>T on transcript NM_004311.4 (MANE Select); coding-DNA position 139, C replaced by T.
Protein change: p.Pro47Ser; replaces proline 47 with serine.
Molecular consequence: missense variant.
Genome position (GRCh38, 1-based): chr10:102,705,354, G>A on the plus strand (C>T on the coding strand, the complement: ARL3 is on the minus strand). VCF-style: chr10-102705354-G-A. GRCh37 (hg19) VCF-style: chr10-104465111-G-A.
Other names: short protein forms P47S.
Identifiers: ClinVar variation 3668773 (VCV003668773.2).

ClinVar aggregate classification (germline): Uncertain significance (1 of 4 stars; one submission).

Submission:

Labcorp Genetics (formerly Invitae), Labcorp
Classification: Uncertain significance. Last evaluated: 2024-02-02. Review status: criteria provided, single submitter. Criteria: Invitae Variant Classification Sherloc (09022015). Collection method: clinical testing. Allele origin: germline.
Comment: This sequence change replaces proline, which is neutral and non-polar, with serine, which is neutral and polar, at codon 47 of the ARL3 protein (p.Pro47Ser). This variant is not present in population databases (gnomAD no frequency). This variant has not been reported in the literature in individuals affected with ARL3-related conditions. An algorithm developed to predict the effect of missense changes on protein structure and function (PolyPhen-2) suggests that this variant is likely to be disruptive. In summary, the available evidence is currently insufficient to determine the role of this variant in disease. Therefore, it has been classified as a Variant of Uncertain Significance.